The following is an entry in ClinVar:

NM_138713.4(NFAT5):c.2559T>A (p.Ser853Arg)

Gene: NFAT5 (nuclear factor of activated T cells 5; plus strand). Cytogenetic location: 16q22.1.
Variant type: single nucleotide variant.
Coding change: c.2559T>A on transcript NM_138713.4 (MANE Select); coding-DNA position 2559, T replaced by A.
Protein change: p.Ser853Arg; replaces serine 853 with arginine.
Molecular consequence: missense variant.
Genome position (GRCh38, 1-based): chr16:69,692,384, T>A. VCF-style: chr16-69692384-T-A. GRCh37 (hg19) VCF-style: chr16-69726287-T-A.
Other names: c.2556T>A, p.Ser852Arg (NM_001113178.3); c.1884T>A, p.Ser628Arg (NM_001367709.1); c.2505T>A, p.Ser835Arg (NM_006599.4); c.2277T>A, p.Ser759Arg (NM_138714.4, NM_173214.3, NM_173215.3); short protein forms S852R, S853R, S835R, S628R, S759R.
Identifiers: ClinVar variation 2176184 (VCV002176184.4), dbSNP rs754912220, ClinGen allele CA8135775.

ClinVar aggregate classification (germline): Uncertain significance (1 of 4 stars; one submission).

Conditions:
Immunodeficiency. Identifiers: MedGen C0021051, MONDO:0021094, HP:0002721.

Allele frequency attached by ClinVar (database versions not stated): gnomAD 0.00003; gnomAD exomes 0.00004; ExAC 0.00010.
gnomAD v4.1: 56 of 1,614,058 alleles (0.0035%); highest among the groups gnomAD compares: South Asian, 0.059%; 1 homozygote.

Submission:

Labcorp Genetics (formerly Invitae), Labcorp
Classification: Uncertain significance for Immunodeficiency. Last evaluated: 2025-10-27. Review status: criteria provided, single submitter. Criteria: Invitae Variant Classification Sherloc (09022015). Collection method: clinical testing. Allele origin: germline.
Comment: This sequence change replaces serine, which is neutral and polar, with arginine, which is basic and polar, at codon 759 of the NFAT5 protein (p.Ser759Arg). This variant is present in population databases (rs754912220, gnomAD 0.06%), and has an allele count higher than expected for a pathogenic variant. This variant has not been reported in the literature in individuals affected with NFAT5-related conditions. ClinVar contains an entry for this variant (Variation ID: 2176184). An algorithm developed to predict the effect of missense changes on protein structure and function (PolyPhen-2) suggests that this variant is likely to be disruptive. In summary, the available evidence is currently insufficient to determine the role of this variant in disease. Therefore, it has been classified as a Variant of Uncertain Significance.